The following is an entry in ClinVar:

NM_001363711.2(DUOX2):c.2113A>G (p.Thr705Ala)

Gene: DUOX2 (dual oxidase 2; minus strand). Cytogenetic location: 15q21.1.
Variant type: single nucleotide variant.
Coding change: c.2113A>G on transcript NM_001363711.2 (MANE Select); coding-DNA position 2113, A replaced by G.
Protein change: p.Thr705Ala; replaces threonine 705 with alanine.
Molecular consequence: missense variant.
Genome position (GRCh38, 1-based): chr15:45,106,160, T>C on the plus strand (A>G on the coding strand, the complement: DUOX2 is on the minus strand). VCF-style: chr15-45106160-T-C. GRCh37 (hg19) VCF-style: chr15-45398358-T-C.
Other names: c.2113A>G, p.Thr705Ala (NM_014080.5); short protein forms T705A.
Identifiers: ClinVar variation 3607057 (VCV003607057.2).

ClinVar aggregate classification (germline): Uncertain significance (1 of 4 stars; one submission).

gnomAD v4.1: 43 of 1,613,914 alleles (0.0027%); highest among the groups gnomAD compares: Non-Finnish European, 0.0033%; no homozygotes.

Submission:

Labcorp Genetics (formerly Invitae), Labcorp
Classification: Uncertain significance. Last evaluated: 2025-01-08. Review status: criteria provided, single submitter. Criteria: Invitae Variant Classification Sherloc (09022015). Collection method: clinical testing. Allele origin: germline.
Comment: This sequence change replaces threonine, which is neutral and polar, with alanine, which is neutral and non-polar, at codon 705 of the DUOX2 protein (p.Thr705Ala). This variant is present in population databases (no rsID available, gnomAD 0.007%). This variant has not been reported in the literature in individuals affected with DUOX2-related conditions. Invitae Evidence Modeling of protein sequence and biophysical properties (such as structural, functional, and spatial information, amino acid conservation, physicochemical variation, residue mobility, and thermodynamic stability) indicates that this missense variant is not expected to disrupt DUOX2 protein function with a negative predictive value of 80%. In summary, the available evidence is currently insufficient to determine the role of this variant in disease. Therefore, it has been classified as a Variant of Uncertain Significance.